The following is an entry in ClinVar:

NM_032638.5(GATA2):c.1170G>C (p.Lys390Asn)

Gene: GATA2 (GATA binding protein 2; minus strand). Cytogenetic location: 3q21.3.
Variant type: single nucleotide variant.
Coding change: c.1170G>C on transcript NM_032638.5 (MANE Select); coding-DNA position 1170, G replaced by C.
Protein change: p.Lys390Asn; replaces lysine 390 with asparagine.
Molecular consequence: missense variant.
Genome position (GRCh38, 1-based): chr3:128,481,292, C>G on the plus strand (G>C on the coding strand, the complement: GATA2 is on the minus strand). VCF-style: chr3-128481292-C-G. GRCh37 (hg19) VCF-style: chr3-128200135-C-G.
Other names: c.1170G>C, p.Lys390Asn (NM_001145661.2); c.1128G>C, p.Lys376Asn (NM_001145662.1); short protein forms K390N, K376N.
Identifiers: ClinVar variation 4620633 (VCV004620633.1).

ClinVar aggregate classification (germline): Uncertain significance (1 of 4 stars; one submission).

Conditions:
Inborn genetic diseases. Identifiers: MedGen C0950123, MeSH D030342.

Submission:

Ambry Genetics
Classification: Uncertain significance for Inborn genetic diseases. Last evaluated: 2025-11-05. Review status: criteria provided, single submitter. Criteria: Ambry Variant Classification Scheme 2023. Collection method: clinical testing. Allele origin: germline.
Comment: The p.K390N variant (also known as c.1170G>C), located in coding exon 5 of the GATA2 gene, results from a G to C substitution at nucleotide position 1170. The lysine at codon 390 is replaced by asparagine, an amino acid with similar properties. This amino acid position is conserved. In addition, the in silico prediction for this alteration is inconclusive. Based on the available evidence, the clinical significance of this variant remains unclear.